The following is an entry in ClinVar:

NM_033026.6(PCLO):c.8970G>T (p.Met2990Ile)

Gene: PCLO (piccolo presynaptic cytomatrix protein; minus strand). Cytogenetic location: 7q21.11.
Variant type: single nucleotide variant.
Coding change: c.8970G>T on transcript NM_033026.6 (MANE Select); coding-DNA position 8970, G replaced by T.
Protein change: p.Met2990Ile; replaces methionine 2990 with isoleucine.
Molecular consequence: missense variant.
Genome position (GRCh38, 1-based): chr7:82,951,983, C>A on the plus strand (G>T on the coding strand, the complement: PCLO is on the minus strand). VCF-style: chr7-82951983-C-A. GRCh37 (hg19) VCF-style: chr7-82581299-C-A.
Other names: c.8970G>T (NM_033026.5); c.8970G>T, p.Met2990Ile (NM_014510.3); short protein forms M2990I.
Identifiers: ClinVar variation 2110776 (VCV002110776.5), dbSNP rs915415739, ClinGen allele CA161144686.

ClinVar aggregate classification (germline): Uncertain significance. Review status: criteria provided, multiple submitters, no conflicts (2 of 4 stars). 2 submissions from 2 submitters: Uncertain significance (2). Last evaluated 2024-08-12.

Conditions:
Inborn genetic diseases. Identifiers: MedGen C0950123, MeSH D030342.

Submissions (2):

Labcorp Genetics (formerly Invitae), Labcorp
Classification: Uncertain significance. Last evaluated: 2024-08-12. Review status: criteria provided, single submitter. Criteria: Invitae Variant Classification Sherloc (09022015). Collection method: clinical testing. Allele origin: germline.
Comment: This sequence change replaces methionine, which is neutral and non-polar, with isoleucine, which is neutral and non-polar, at codon 2990 of the PCLO protein (p.Met2990Ile). This variant is not present in population databases (gnomAD no frequency). This variant has not been reported in the literature in individuals affected with PCLO-related conditions. ClinVar contains an entry for this variant (Variation ID: 2110776). Experimental studies and prediction algorithms are not available or were not evaluated, and the functional significance of this variant is currently unknown. In summary, the available evidence is currently insufficient to determine the role of this variant in disease. Therefore, it has been classified as a Variant of Uncertain Significance.

Ambry Genetics
Classification: Uncertain significance for Inborn genetic diseases. Last evaluated: 2024-05-12. Review status: criteria provided, single submitter. Criteria: Ambry Variant Classification Scheme 2023. Collection method: clinical testing. Allele origin: germline.